The following is an entry in ClinVar:

NM_004958.4(MTOR):c.7509G>A (p.Arg2503=)

Gene: MTOR (mechanistic target of rapamycin kinase; minus strand). Cytogenetic location: 1p36.22.
Variant type: single nucleotide variant.
Coding change: c.7509G>A on transcript NM_004958.4 (MANE Select); coding-DNA position 7509, G replaced by A.
Protein change: p.Arg2503=; no amino-acid change (arginine 2503 retained).
Molecular consequence: synonymous variant.
Genome position (GRCh38, 1-based): chr1:11,109,309, C>T on the plus strand (G>A on the coding strand, the complement: MTOR is on the minus strand). VCF-style: chr1-11109309-C-T. GRCh37 (hg19) VCF-style: chr1-11169366-C-T.
Identifiers: ClinVar variation 699861 (VCV000699861.12), dbSNP rs774727291, ClinGen allele CA588809.
Genomic context (GRCh38, chr1:11,109,309, plus strand): 5'-AGATTTTATGTCCCTTTTAAGTAAACACATGACACACTCACCAGTGAGCTTATCTCGAAC[C>T]CTGTTAATAATCTGGATAGCTTTCTTATTTAGGGCCTCTGGTTTCACCAAACCGTCTCCA-3'
Protein context (NP_004949.1, residues 2493-2513): LNKKAIQIIN[Arg2503=]VRDKLTGRDF

ClinVar aggregate classification (germline): Likely benign. Review status: criteria provided, multiple submitters, no conflicts (2 of 4 stars). 2 submissions from 2 submitters: Likely benign (2). Last evaluated 2026-05-01.

Allele frequency attached by ClinVar (database versions not stated): ExAC 0.00001; gnomAD exomes 0.00001 and 0.00002; TOPMed 0.00002.
gnomAD v4.1: 20 of 1,614,042 alleles (0.0012%); highest among the groups gnomAD compares: Admixed American, 0.0017%; no homozygotes.

Submissions (2):

CeGaT Center for Human Genetics Tuebingen
Classification: Likely benign. Last evaluated: 2026-05-01. Review status: criteria provided, single submitter. Criteria: CeGaT Center For Human Genetics Tuebingen Variant Classification Criteria Version 2. Collection method: clinical testing. Allele origin: germline. Affected: yes. Observed: 2 variant alleles.
Comment: MTOR: BP4, BP7

Labcorp Genetics (formerly Invitae), Labcorp
Classification: Likely benign. Last evaluated: 2024-01-17. Review status: criteria provided, single submitter. Criteria: Invitae Variant Classification Sherloc (09022015). Collection method: clinical testing. Allele origin: germline.